The following is an entry in ClinVar:

NM_001013703.4(EIF2AK4):c.2403+103T>C

Gene: EIF2AK4 (eukaryotic translation initiation factor 2 alpha kinase 4; plus strand). Cytogenetic location: 15q15.1.
Variant type: single nucleotide variant.
Coding change: c.2403+103T>C on transcript NM_001013703.4 (MANE Select); 103 bases into the intron after coding-DNA position 2403, T replaced by C.
Molecular consequence: intron variant.
Genome position (GRCh38, 1-based): chr15:39,985,991, T>C. VCF-style: chr15-39985991-T-C. GRCh37 (hg19) VCF-style: chr15-40278192-T-C.
Identifiers: ClinVar variation 674663 (VCV000674663.1), dbSNP rs8030980, ClinGen allele CA14098854.

ClinVar aggregate classification (germline): Benign (1 of 4 stars; one submission).

Allele frequency attached by ClinVar (database versions not stated): gnomAD 0.67833; TOPMed 0.67984; 1000 Genomes Project 30x 0.69785; 1000 Genomes Project 0.70068.
gnomAD v4.1: 669,913 of 970,130 alleles (69%); highest among the groups gnomAD compares: Admixed American, 73%; 231,630 homozygotes.

Submission:

GeneDx
Classification: Benign. Last evaluated: 2018-06-14. Review status: criteria provided, single submitter. Criteria: GeneDx Variant Classification (06012015). Collection method: clinical testing. Allele origin: germline. Affected: yes.
Comment: This variant is considered likely benign or benign based on one or more of the following criteria: it is a conservative change, it occurs at a poorly conserved position in the protein, it is predicted to be benign by multiple in silico algorithms, and/or has population frequency not consistent with disease.